The following is an entry in ClinVar:

NM_000238.4(KCNH2):c.1859G>A (p.Ser620Asn)

Gene: KCNH2 (potassium voltage-gated channel subfamily H member 2; minus strand). Cytogenetic location: 7q36.1.
Variant type: single nucleotide variant.
Coding change: c.1859G>A on transcript NM_000238.4 (MANE Select); coding-DNA position 1859, G replaced by A.
Protein change: p.Ser620Asn; replaces serine 620 with asparagine.
Molecular consequence: missense variant.
Genome position (GRCh38, 1-based): chr7:150,951,534, C>T on the plus strand (G>A on the coding strand, the complement: KCNH2 is on the minus strand). VCF-style: chr7-150951534-C-T. GRCh37 (hg19) VCF-style: chr7-150648622-C-T.
Other names: c.839G>A, p.Ser280Asn (NM_001204798.2, NM_172057.3); c.1571G>A, p.Ser524Asn (NM_001406753.1, NM_001406756.1); c.1682G>A, p.Ser561Asn (NM_001406755.1); c.1559G>A, p.Ser520Asn (NM_001406757.1); c.1859G>A, p.Ser620Asn (NM_172056.3); short protein forms S280N, S620N, S561N, S520N, S524N.
Identifiers: ClinVar variation 1017668 (VCV001017668.9), dbSNP rs1801161235, ClinGen allele CA369857938.

ClinVar aggregate classification (germline): Uncertain significance. Review status: criteria provided, multiple submitters, no conflicts (2 of 4 stars). 2 submissions from 2 submitters: Uncertain significance (2). Last evaluated 2025-03-25.

Conditions:
Long QT syndrome (LQTS). Identifiers: MedGen C0023976, MeSH D008133, MONDO:0002442. Disease mechanism: loss of function. Inheritance: Various modes of inheritance.
Cardiovascular phenotype. Identifiers: MedGen CN230736.

Submissions (2):

Labcorp Genetics (formerly Invitae), Labcorp
Classification: Uncertain significance for Long QT syndrome. Last evaluated: 2025-03-25. Review status: criteria provided, single submitter. Criteria: Invitae Variant Classification Sherloc (09022015). Collection method: clinical testing. Allele origin: germline.
Comment: This sequence change replaces serine, which is neutral and polar, with asparagine, which is neutral and polar, at codon 620 of the KCNH2 protein (p.Ser620Asn). This variant is not present in population databases (gnomAD no frequency). This missense change has been observed in individual(s) with long QT syndrome (PMID: 23631430, 31535183). ClinVar contains an entry for this variant (Variation ID: 1017668). An algorithm developed to predict the effect of missense changes on protein structure and function (PolyPhen-2) suggests that this variant is likely to be disruptive. This variant disrupts the p.Ser620 amino acid residue in KCNH2. Other variant(s) that disrupt this residue have been determined to be pathogenic (PMID: 26066609). This suggests that this residue is clinically significant, and that variants that disrupt this residue are likely to be disease-causing. In summary, the available evidence is currently insufficient to determine the role of this variant in disease. Therefore, it has been classified as a Variant of Uncertain Significance.

Ambry Genetics
Classification: Uncertain significance for Cardiovascular phenotype. Last evaluated: 2021-03-22. Review status: criteria provided, single submitter. Criteria: Ambry Variant Classification Scheme 2023. Collection method: clinical testing. Allele origin: germline.
Comment: The p.S620N variant (also known as c.1859G>A), located in coding exon 7 of the KCNH2 gene, results from a G to A substitution at nucleotide position 1859. The serine at codon 620 in the pore domain is replaced by asparagine, an amino acid with highly similar properties. This alteration has been previously reported in a long QT syndrome genetic testing cohort and in an arrhythmia cohort, but clinical details were limited (Lieve KV et al. Genet Test Mol Biomarkers, 2013 Jul;17:553-61; Bennett JS et al. Pediatr Cardiol, 2019 Dec;40:1679-1687). This amino acid position is highly conserved in available vertebrate species. In addition, this alteration is predicted to be deleterious by in silico analysis. Since supporting evidence is limited at this time, the clinical significance of this alteration remains unclear.

Literature cited by the submitters: PubMed 23631430 (cited by Labcorp Genetics (formerly Invitae), Labcorp and Ambry Genetics); PubMed 31535183 (cited by Labcorp Genetics (formerly Invitae), Labcorp and Ambry Genetics); PubMed 26066609 (cited by Labcorp Genetics (formerly Invitae), Labcorp).